The following is an entry in ClinVar:

ClinVar aggregate classification (germline): Uncertain significance (1 of 4 stars; one submission).

Conditions:
Inborn genetic diseases. Identifiers: MedGen C0950123, MeSH D030342.

Allele frequency attached by ClinVar (database versions not stated): gnomAD exomes 0.00001; TOPMed 0.00001.
gnomAD v4.1: 8 of 1,614,026 alleles (0.0005%); highest among the groups gnomAD compares: East Asian, 0.0022%; no homozygotes.

Submission:

Ambry Genetics
Classification: Uncertain significance for Inborn genetic diseases. Last evaluated: 2024-05-02. Review status: criteria provided, single submitter. Criteria: Ambry Variant Classification Scheme 2023. Collection method: clinical testing. Allele origin: germline.
Comment: The p.R181H variant (also known as c.542G>A), located in coding exon 5 of the EPAS1 gene, results from a G to A substitution at nucleotide position 542. The arginine at codon 181 is replaced by histidine, an amino acid with highly similar properties. This amino acid position is conserved. In addition, the in silico prediction for this alteration is inconclusive. Since supporting evidence is limited at this time, the clinical significance of this alteration remains unclear.

NM_001430.5(EPAS1):c.542G>A (p.Arg181His)

Genes: EPAS1 (endothelial PAS domain protein 1; plus strand), LOC126806210 (BRD4-independent group 4 enhancer GRCh37_chr2:46587586-46588785; plus strand). Cytogenetic location: 2p21.
Variant type: single nucleotide variant.
Coding change: c.542G>A on transcript NM_001430.5 (MANE Select); coding-DNA position 542, G replaced by A.
Protein change: p.Arg181His; replaces arginine 181 with histidine.
Molecular consequence: missense variant.
Genome position (GRCh38, 1-based): chr2:46,360,725, G>A. VCF-style: chr2-46360725-G-A. GRCh37 (hg19) VCF-style: chr2-46587864-G-A.
Other names: short protein forms R181H.
Identifiers: ClinVar variation 1747493 (VCV001747493.3), dbSNP rs1402203251, ClinGen allele CA346699365.